The following is an entry in ClinVar:

NM_000132.4(F8):c.3120_3123del (p.Ile1041fs)

Gene: F8 (coagulation factor VIII; minus strand). Cytogenetic location: Xq28.
Variant type: Deletion.
Coding change: c.3120_3123del on transcript NM_000132.4 (MANE Select); coding-DNA positions 3120 to 3123, 4 bases deleted (AATT; older notation c.3120_3123delAATT).
Protein change: p.Ile1041fs; shifts the reading frame from isoleucine 1041.
Molecular consequence: frameshift variant.
Genome position (GRCh38, 1-based): chrX:154,930,667-154,930,670, AATT deleted on the plus strand (AATT on the coding strand, the reverse complement: F8 is on the minus strand); deleting any 4 consecutive bases within chrX:154,930,667-154,930,673 gives the same sequence; the c. name uses the placement nearest the transcript's 3' end. VCF-style (leftmost placement, unchanged base first): chrX-154930666-CAATT-C. GRCh37 (hg19) VCF-style: chrX-154158941-CAATT-C.
Other names: short protein forms I1041fs.
Identifiers: ClinVar variation 5015517 (VCV005015517.1).

ClinVar aggregate classification (germline): Pathogenic (1 of 4 stars; one submission).

Conditions:
Hereditary factor VIII deficiency disease (HEMA). Also called: AUTOSOMAL HEMOPHILIA A; Hemophilia A; Hemophilia A, congenital; HEM A; Factor 8 deficiency, congenital; HEMOPHILIA, CLASSIC. Identifiers: Orphanet 98878, MedGen C0019069, MONDO:0010602, OMIM 306700.

Submission:

Myriad Genetics, Inc.
Classification: Pathogenic for Hereditary factor VIII deficiency disease. Last evaluated: 2026-02-05. Review status: criteria provided, single submitter. Criteria: Myriad Autosomal Dominant, Autosomal Recessive and X-Linked Classification Criteria (2023). Collection method: clinical testing. Allele origin: unknown.
Comment: NM_000132.3(F8):c.3120_3123delAATT(I1041Rfs*11) is expected to be pathogenic in the context of hemophilia A. This variant is predicted to lead to an abnormal or absent protein product due to the creation of a premature termination codon in F8, a gene where loss-of-function variants are known to be pathogenic. Please note: this variant was assessed in the context of healthy population screening.